The following is an entry in ClinVar:

NM_000287.4(PEX6):c.689_690dup (p.Ser232fs)

Gene: PEX6 (peroxisomal biogenesis factor 6; minus strand). Cytogenetic location: 6p21.1.
Variant type: Microsatellite.
Coding change: c.689_690dup on transcript NM_000287.4 (MANE Select); coding-DNA positions 689 to 690, 2 bases duplicated (AG; older notation c.689_690dupAG).
Protein change: p.Ser232fs; shifts the reading frame from serine 232.
Molecular consequence: frameshift variant. On other transcripts: non-coding transcript variant (1), intron variant (1).
Genome position (GRCh38, 1-based): chr6:42,978,461-42,978,462, CT duplicated on the plus strand (AG on the coding strand, the reverse complement: PEX6 is on the minus strand); duplicating any 2 consecutive bases within chr6:42,978,461-42,978,466 gives the same sequence; the c. name uses the placement nearest the transcript's 3' end. VCF-style (leftmost placement, unchanged base first): chr6-42978460-A-ACT. GRCh37 (hg19) VCF-style: chr6-42946198-A-ACT.
Other names: c.689_690dup (NM_000287.3); c.618+67AG[4] (NM_001316313.2); short protein forms S232fs.
Identifiers: ClinVar variation 92790 (VCV000092790.17), dbSNP rs398123305, ClinGen allele CA200299.

ClinVar aggregate classification (germline): Pathogenic. Review status: criteria provided, multiple submitters, no conflicts (2 of 4 stars). 3 submissions from 3 submitters: Pathogenic (3). Last evaluated 2025-05-05.

Conditions:
Zellweger spectrum disorders (ZS). Also called: Zellweger Spectrum Disorder; Zellweger Spectrum; Zellweger syndrome; Zellweger Spectrum Disorder (ZSD). Identifiers: Orphanet 912, MedGen C0043459, MONDO:0019609.
Peroxisome biogenesis disorder. Identifiers: Orphanet 79189, MedGen C1832200, MONDO:0019234. Disease mechanism: loss of function.

Submissions (3):

Natera, Inc.
Classification: Pathogenic for Zellweger syndrome. Last evaluated: 2025-05-05. Review status: criteria provided, single submitter. Criteria: Natera Variant Classification Schema (03/2026). Collection method: clinical testing. Allele origin: germline.
Comment: The c.689_690dupAG variant in PEX6 is a frameshift variant predicted to shift the reading frame beginning at codon 232 and leads to a stop codon 15 codons downstream. This variant is expected to result in nonsense mediated decay, truncation, or a dysfunctional protein product. This variant is rare in the general population with a frequency below the threshold expected for the associated phenotype(s). This variant has been observed in one or more individuals affected with the associated recessive disease, as either homozygous or compound heterozygous with a second variant (PMID: 17041890). Given the available evidence, this variant is classified as Pathogenic.

Labcorp Genetics (formerly Invitae), Labcorp
Classification: Pathogenic for Peroxisome biogenesis disorder. Last evaluated: 2024-09-10. Review status: criteria provided, single submitter. Criteria: Invitae Variant Classification Sherloc (09022015). Collection method: clinical testing. Allele origin: germline.
Comment: This sequence change creates a premature translational stop signal (p.Ser232Hisfs*15) in the PEX6 gene. It is expected to result in an absent or disrupted protein product. Loss-of-function variants in PEX6 are known to be pathogenic (PMID: 10408779, 21031596, 31831025). This variant is not present in population databases (gnomAD no frequency). This premature translational stop signal has been observed in individuals with Zellweger syndrome (PMID: 17041890, 19877282). ClinVar contains an entry for this variant (Variation ID: 92790). For these reasons, this variant has been classified as Pathogenic.

Eurofins Ntd Llc (ga)
Classification: Pathogenic. Last evaluated: 2013-03-26. Review status: criteria provided, single submitter. Criteria: EGL Classification Definitions. Collection method: clinical testing. Allele origin: germline. Observed: 1 variant allele, 1 homozygote.

Literature cited by the submitters: PubMed 17041890 (cited by Natera, Inc. and Labcorp Genetics (formerly Invitae), Labcorp); PubMed 10408779 (cited by Labcorp Genetics (formerly Invitae), Labcorp); PubMed 21031596 (cited by Labcorp Genetics (formerly Invitae), Labcorp); PubMed 31831025 (cited by Labcorp Genetics (formerly Invitae), Labcorp); PubMed 19877282 (cited by Labcorp Genetics (formerly Invitae), Labcorp); PubMed 23757202 (cited by Eurofins Ntd Llc (ga)).